The following is an entry in ClinVar:

ClinVar aggregate classification (germline): Uncertain significance (1 of 4 stars; one submission).

Submission:

Athena Diagnostics
Classification: Uncertain significance. Last evaluated: 2024-08-27. Review status: criteria provided, single submitter. Criteria: Athena Diagnostics Criteria. Collection method: clinical testing. Allele origin: unknown.
Comment: Available data are insufficient to determine the clinical significance of the variant at this time. This variant has not been reported in large, multi-ethnic general populations. Polyphen and MutationTaster predict this amino acid change may be damaging to the protein. The variant is located in a region that is considered important for protein function and/or structure.

NM_006796.3(AFG3L2):c.1465G>A (p.Val489Ile)

Gene: AFG3L2 (AFG3 like matrix AAA peptidase subunit 2; minus strand). Cytogenetic location: 18p11.21.
Variant type: single nucleotide variant.
Coding change: c.1465G>A on transcript NM_006796.3 (MANE Select); coding-DNA position 1465, G replaced by A.
Protein change: p.Val489Ile; replaces valine 489 with isoleucine.
Molecular consequence: missense variant.
Genome position (GRCh38, 1-based): chr18:12,351,172, C>T on the plus strand (G>A on the coding strand, the complement: AFG3L2 is on the minus strand). VCF-style: chr18-12351172-C-T. GRCh37 (hg19) VCF-style: chr18-12351171-C-T.
Other names: short protein forms V489I.
Identifiers: ClinVar variation 3571717 (VCV003571717.1).